The following is an entry in ClinVar:

NM_032043.3(BRIP1):c.2614T>A (p.Ser872Thr)

Gene: BRIP1 (BRCA1 interacting DNA helicase 1; minus strand). Cytogenetic location: 17q23.2.
Variant type: single nucleotide variant.
Coding change: c.2614T>A on transcript NM_032043.3 (MANE Select); coding-DNA position 2614, T replaced by A.
Protein change: p.Ser872Thr; replaces serine 872 with threonine.
Molecular consequence: missense variant.
Genome position (GRCh38, 1-based): chr17:61,686,127, A>T on the plus strand (T>A on the coding strand, the complement: BRIP1 is on the minus strand). VCF-style: chr17-61686127-A-T. GRCh37 (hg19) VCF-style: chr17-59763488-A-T.
Other names: short protein forms S872T.
Identifiers: ClinVar variation 1017267 (VCV001017267.9), dbSNP rs2061360803, ClinGen allele CA400481939.

ClinVar aggregate classification (germline): Uncertain significance (1 of 4 stars; one submission).

Conditions:
Familial cancer of breast. Also called: hereditary breast carcinoma; BREAST CANCER, FAMILIAL; Hereditary breast cancer. Identifiers: Orphanet 227535, MedGen C0346153, MONDO:0016419, OMIM 114480. Disease mechanism: loss of function.
Fanconi anemia complementation group J. Also called: BRIP1-Related Fanconi Anemia. Identifiers: Orphanet 84, MedGen C1836860, MONDO:0012187, OMIM 609054.

Submission:

Labcorp Genetics (formerly Invitae), Labcorp
Classification: Uncertain significance for Familial cancer of breast; Fanconi anemia complementation group J. Last evaluated: 2020-03-24. Review status: criteria provided, single submitter. Criteria: Invitae Variant Classification Sherloc (09022015). Collection method: clinical testing. Allele origin: germline.
Comment: In summary, the available evidence is currently insufficient to determine the role of this variant in disease. Therefore, it has been classified as a Variant of Uncertain Significance. Algorithms developed to predict the effect of missense changes on protein structure and function (SIFT, PolyPhen-2, Align-GVGD) all suggest that this variant is likely to be tolerated, but these predictions have not been confirmed by published functional studies and their clinical significance is uncertain. This variant has not been reported in the literature in individuals with BRIP1-related conditions. This variant is not present in population databases (ExAC no frequency). This sequence change replaces serine with threonine at codon 872 of the BRIP1 protein (p.Ser872Thr). The serine residue is weakly conserved and there is a small physicochemical difference between serine and threonine.